The following is an entry in ClinVar:

NM_001042492.3(NF1):c.5143C>G (p.Leu1715Val)

Gene: NF1 (neurofibromin 1; plus strand). Cytogenetic location: 17q11.2.
Variant type: single nucleotide variant.
Coding change: c.5143C>G on transcript NM_001042492.3 (MANE Select); coding-DNA position 5143, C replaced by G.
Protein change: p.Leu1715Val; replaces leucine 1715 with valine.
Molecular consequence: missense variant.
Genome position (GRCh38, 1-based): chr17:31,326,127, C>G. VCF-style: chr17-31326127-C-G. GRCh37 (hg19) VCF-style: chr17-29653145-C-G.
Other names: c.5080C>G, p.Leu1694Val (NM_000267.4); short protein forms L1694V, L1715V.
Identifiers: ClinVar variation 1745222 (VCV001745222.5), dbSNP rs1597830104, ClinGen allele CA399007793.

ClinVar aggregate classification (germline): Uncertain significance. Review status: criteria provided, multiple submitters, no conflicts (2 of 4 stars). 2 submissions from 2 submitters: Uncertain significance (2). Last evaluated 2023-08-23.

Conditions:
Neurofibromatosis, type 1 (NF1). Also called: VON RECKLINGHAUSEN DISEASE; NEUROFIBROMATOSIS, TYPE I, SOMATIC; Neurofibromatosis, type I; Peripheral type neurofibromatosis. Identifiers: Orphanet 636, MedGen C0027831, MONDO:0018975, OMIM 162200. Disease mechanism: loss of function.
Cardiovascular phenotype. Identifiers: MedGen CN230736.
Hereditary cancer-predisposing syndrome. Also called: Neoplastic Syndromes, Hereditary; Tumor predisposition; Hereditary Cancer Syndrome; Hereditary neoplastic syndrome. Identifiers: Orphanet 140162, MedGen C0027672, MeSH D009386, MONDO:0015356.

gnomAD v4.1: 1 of 1,612,908 alleles (0.000062%); highest among the groups gnomAD compares: Non-Finnish European, 0.000085%; no homozygotes.

Submissions (2):

Labcorp Genetics (formerly Invitae), Labcorp
Classification: Uncertain significance for Neurofibromatosis, type 1. Last evaluated: 2023-08-23. Review status: criteria provided, single submitter. Criteria: Invitae Variant Classification Sherloc (09022015). Collection method: clinical testing. Allele origin: germline.
Comment: In summary, the available evidence is currently insufficient to determine the role of this variant in disease. Therefore, it has been classified as a Variant of Uncertain Significance. This sequence change replaces leucine, which is neutral and non-polar, with valine, which is neutral and non-polar, at codon 1694 of the NF1 protein (p.Leu1694Val). This variant is not present in population databases (gnomAD no frequency). This variant has not been reported in the literature in individuals affected with NF1-related conditions. ClinVar contains an entry for this variant (Variation ID: 1745222). Advanced modeling of protein sequence and biophysical properties (such as structural, functional, and spatial information, amino acid conservation, physicochemical variation, residue mobility, and thermodynamic stability) performed at Invitae indicates that this missense variant is expected to disrupt NF1 protein function. This variant disrupts the p.Leu1694 amino acid residue in NF1. Other variant(s) that disrupt this residue have been determined to be pathogenic (PMID: 31717729). This suggests that this residue is clinically significant, and that variants that disrupt this residue are likely to be disease-causing.

Ambry Genetics
Classification: Uncertain significance for Cardiovascular phenotype; Hereditary cancer-predisposing syndrome. Last evaluated: 2022-05-24. Review status: criteria provided, single submitter. Criteria: Ambry Variant Classification Scheme 2023. Collection method: clinical testing. Allele origin: germline.
Comment: The p.L1694V variant (also known as c.5080C>G), located in coding exon 36 of the NF1 gene, results from a C to G substitution at nucleotide position 5080. The leucine at codon 1694 is replaced by valine, an amino acid with highly similar properties. This amino acid position is conserved. In addition, the in silico prediction for this alteration is inconclusive. Since supporting evidence is limited at this time, the clinical significance of this alteration remains unclear.

Literature cited by the submitters: PubMed 31717729 (cited by Labcorp Genetics (formerly Invitae), Labcorp).